The following is an entry in ClinVar:

ClinVar aggregate classification (germline): Uncertain significance (1 of 4 stars; one submission).

gnomAD v4.1: 1 of 1,613,460 alleles (0.000062%); highest among the groups gnomAD compares: Non-Finnish European, 0.000085%; no homozygotes.

Submission:

GeneDx
Classification: Uncertain significance. Last evaluated: 2024-07-03. Review status: criteria provided, single submitter. Criteria: GeneDx Variant Classification Process June 2021. Collection method: clinical testing. Allele origin: germline. Affected: yes.
Comment: Not observed at significant frequency in large population cohorts (gnomAD); In silico analysis supports that this missense variant has a deleterious effect on protein structure/function; Has not been previously published as pathogenic or benign to our knowledge

NM_003128.3(SPTBN1):c.3868T>G (p.Trp1290Gly)

Gene: SPTBN1 (spectrin beta, non-erythrocytic 1; plus strand). Cytogenetic location: 2p16.2.
Variant type: single nucleotide variant.
Coding change: c.3868T>G on transcript NM_003128.3 (MANE Select); coding-DNA position 3868, T replaced by G.
Protein change: p.Trp1290Gly; replaces tryptophan 1290 with glycine.
Molecular consequence: missense variant.
Genome position (GRCh38, 1-based): chr2:54,642,992, T>G. VCF-style: chr2-54642992-T-G. GRCh37 (hg19) VCF-style: chr2-54870129-T-G.
Other names: c.3829T>G, p.Trp1277Gly (NM_178313.3); short protein forms W1290G, W1277G.
Identifiers: ClinVar variation 3393730 (VCV003393730.1).